The following is an entry in ClinVar:

ClinVar aggregate classification (germline): Likely pathogenic (1 of 4 stars; one submission).

Submission:

GeneDx
Classification: Likely pathogenic. Last evaluated: 2022-06-02. Review status: criteria provided, single submitter. Criteria: GeneDx Variant Classification Process June 2021. Collection method: clinical testing. Allele origin: germline. Affected: yes.
Comment: Nonsense variant predicted to result in protein truncation or nonsense mediated decay in a gene for which loss of function is a known mechanism of disease; Not observed at significant frequency in large population cohorts (gnomAD); Has not been previously published as pathogenic or benign to our knowledge

NM_003124.5(SPR):c.4G>T (p.Glu2Ter)

Genes: SPR (sepiapterin reductase; plus strand), LOC129934069 (ATAC-STARR-seq lymphoblastoid silent region 11626; plus strand). Cytogenetic location: 2p13.2.
Variant type: single nucleotide variant.
Coding change: c.4G>T on transcript NM_003124.5 (MANE Select); coding-DNA position 4, G replaced by T.
Protein change: p.Glu2Ter; replaces glutamic acid 2 with a stop codon.
Molecular consequence: nonsense.
Genome position (GRCh38, 1-based): chr2:72,887,436, G>T. VCF-style: chr2-72887436-G-T. GRCh37 (hg19) VCF-style: chr2-73114565-G-T.
Other names: short protein forms E2*.
Identifiers: ClinVar variation 2136044 (VCV002136044.1), dbSNP rs1434497201, ClinGen allele CA347230337.